The following is an entry in ClinVar:

NM_001367624.2(ZNF469):c.1609G>A (p.Val537Met)

Gene: ZNF469 (zinc finger protein 469; plus strand). Cytogenetic location: 16q24.2.
Variant type: single nucleotide variant.
Coding change: c.1609G>A on transcript NM_001367624.2 (MANE Select); coding-DNA position 1609, G replaced by A.
Protein change: p.Val537Met; replaces valine 537 with methionine.
Molecular consequence: missense variant.
Genome position (GRCh38, 1-based): chr16:88,429,079, G>A. VCF-style: chr16-88429079-G-A. GRCh37 (hg19) VCF-style: chr16-88495487-G-A.
Other names: NM_001127464.1:c.1609G>A; NM_001127464.2:c.1609G>A; p.Val537Met; short protein forms V537M.
Identifiers: ClinVar variation 372949 (VCV000372949.68), dbSNP rs184458982, ClinGen allele CA8224690.

ClinVar aggregate classification (germline): Conflicting classifications of pathogenicity. Review status: criteria provided, conflicting classifications (1 of 4 stars). 13 submissions from 13 submitters: Uncertain significance (2); Benign (1); Likely benign (7). 3 of the submissions do not count toward it. Last evaluated 2026-07-01.

Conditions:
Brittle cornea syndrome 1 (BCS1). Also called: Corneal fragility keratoglobus, blue sclerae AND joint hypermobility; DYSGENESIS MESODERMALIS CORNEAE ET SCLERAE; FRAGILITAS OCULI WITH JOINT HYPEREXTENSIBILITY; CORNEAL FRAGILITY, KERATOGLOBUS, BLUE SCLERAE, JOINT HYPEREXTENSIBILITY; EDS6B. Identifiers: Orphanet 90354, MedGen C0268344, MONDO:0024543, OMIM 229200.
Cardiovascular phenotype. Identifiers: MedGen CN230736.
Ehlers-Danlos syndrome (EDS). Identifiers: Orphanet 98249, MedGen C0013720, MONDO:0020066.
ZNF469-related disorder. Also called: ZNF469-related condition.

Allele frequency attached by ClinVar (database versions not stated): ExAC 0.00046; 1000 Genomes Project 30x 0.00078; 1000 Genomes Project 0.00080; gnomAD exomes 0.00126 and 0.00256; gnomAD 0.00170 and 0.00172; TOPMed 0.00180.
gnomAD v4.1: 3,804 of 1,549,996 alleles (0.25%); highest among the groups gnomAD compares: Non-Finnish European, 0.31%; 10 homozygotes.

Submissions (13):

CeGaT Center for Human Genetics Tuebingen
Classification: Likely benign. Last evaluated: 2026-07-01. Review status: criteria provided, single submitter. Criteria: CeGaT Center For Human Genetics Tuebingen Variant Classification Criteria Version 2. Collection method: clinical testing. Allele origin: germline. Affected: yes. Observed: 14 variant alleles.
Comment: ZNF469: BP4, BS2

Women's Health and Genetics/Laboratory Corporation of America, LabCorp
Classification: Likely benign. Last evaluated: 2026-06-15. Review status: criteria provided, single submitter. Criteria: LabCorp Variant Classification Summary - May 2015. Collection method: clinical testing. Allele origin: germline.
Comment: Variant summary: ZNF469 c.1609G>A (p.Val537Met) results in a conservative amino acid change in the encoded protein sequence. Algorithms developed to predict the effect of missense changes on protein structure and function are either unavailable or do not agree on the potential impact of this missense change. The variant allele was found at a frequency of 0.0013 in 144200 control chromosomes, predominantly at a frequency of 0.0026 within the Non-Finnish European subpopulation in the gnomAD database. The observed variant frequency within Non-Finnish European control individuals in the gnomAD database exceeds the estimated maximal expected allele frequency for disease-causing variants in ZNF469, providing supporting evidence for a benign role. c.1609G>A has been observed in heterozygous individual(s) affected with unspecified inherited eye diseases without strong evidence for causality (e.g. Li_2021). These report(s) do not provide unequivocal conclusions about association of the variant with disease. To our knowledge, no experimental evidence demonstrating an impact on protein function has been reported. The following publication has been ascertained in the context of this evaluation (PMID: 33816482). ClinVar contains an entry for this variant (Variation ID: 372949). Based on the evidence outlined above, the variant was classified as likely benign.

Labcorp Genetics (formerly Invitae), Labcorp
Classification: Likely benign. Last evaluated: 2026-02-03. Review status: criteria provided, single submitter. Criteria: Invitae Variant Classification Sherloc (09022015). Collection method: clinical testing. Allele origin: germline.

Mayo Clinic Laboratories, Mayo Clinic
Classification: Likely benign. Last evaluated: 2025-01-30. Review status: criteria provided, single submitter. Criteria: ACMG Guidelines, 2015. Collection method: clinical testing. Allele origin: germline. Observed: 15 variant alleles.
Comment: BS1, BP4

Blueprint Genetics
Classification: Likely benign. Last evaluated: 2024-10-15. Review status: criteria provided, single submitter. Criteria: ACMG Guidelines, 2015. Collection method: clinical testing. Allele origin: germline.

Revvity Omics, Revvity
Classification: Uncertain significance for Brittle cornea syndrome 1. Last evaluated: 2022-06-21. Review status: criteria provided, single submitter. Criteria: ACMG Guidelines, 2015. Collection method: clinical testing. Allele origin: germline.

Genome Diagnostics Laboratory, The Hospital for Sick Children
Classification: Likely benign for Ehlers-Danlos syndrome. Last evaluated: 2021-08-13. Review status: criteria provided, single submitter. Criteria: ACMG Guidelines, 2015. Collection method: clinical testing. Allele origin: germline.

Ambry Genetics
Classification: Benign for Cardiovascular phenotype. Last evaluated: 2021-08-05. Review status: criteria provided, single submitter. Criteria: Ambry Variant Classification Scheme 2023. Collection method: clinical testing. Allele origin: germline.

GeneDx
Classification: Likely benign. Last evaluated: 2020-12-18. Review status: criteria provided, single submitter. Criteria: GeneDx Variant Classification Process June 2021. Collection method: clinical testing. Allele origin: germline. Affected: yes.
Comment: This variant is associated with the following publications: (PMID: 29228253)

Eurofins Ntd Llc (ga)
Classification: Uncertain significance. Last evaluated: 2016-12-13. Review status: criteria provided, single submitter. Criteria: EGL Classification Definitions 2015. Collection method: clinical testing. Allele origin: germline. Observed: 1 variant allele, 1 heterozygote.

PreventionGenetics, part of Exact Sciences
Classification: Likely benign for ZNF469-related condition. Last evaluated: 2024-08-07. Review status: no assertion criteria provided. Collection method: clinical testing. Allele origin: germline. Not counted in ClinVar's aggregate classification.
Comment: This variant is classified as likely benign based on ACMG/AMP sequence variant interpretation guidelines (Richards et al. 2015 PMID: 25741868, with internal and published modifications).

Clinical Genetics DNA and cytogenetics Diagnostics Lab, Erasmus MC, Erasmus Medical Center
Classification: Likely benign. Review status: no assertion criteria provided. Collection method: clinical testing. Allele origin: germline. Affected: yes. Study: VKGL Data-share Consensus. Not counted in ClinVar's aggregate classification.

Genome Diagnostics Laboratory, Amsterdam University Medical Center
Classification: Likely benign. Review status: no assertion criteria provided. Collection method: clinical testing. Allele origin: germline. Affected: yes. Study: VKGL Data-share Consensus. Not counted in ClinVar's aggregate classification.

Literature cited by the submitters: PubMed 33816482 (cited by Women's Health and Genetics/Laboratory Corporation of America, LabCorp and Mayo Clinic Laboratories, Mayo Clinic); PubMed 29228253 (cited by Mayo Clinic Laboratories, Mayo Clinic and Ambry Genetics).